The following is an entry in ClinVar:

NM_000059.4(BRCA2):c.9364G>C (p.Ala3122Pro)

Gene: BRCA2 (BRCA2 DNA repair associated; plus strand). Cytogenetic location: 13q13.1.
Variant type: single nucleotide variant.
Coding change: c.9364G>C on transcript NM_000059.4 (MANE Select); coding-DNA position 9364, G replaced by C.
Protein change: p.Ala3122Pro; replaces alanine 3122 with proline.
Molecular consequence: missense variant.
Genome position (GRCh38, 1-based): chr13:32,394,796, G>C. VCF-style: chr13-32394796-G-C. GRCh37 (hg19) VCF-style: chr13-32968933-G-C.
Other names: NM_000059.4(BRCA2):c.9364G>C; short protein forms A3122P.
Identifiers: ClinVar variation 439019 (VCV000439019.17), dbSNP rs587782313, ClinGen allele CA387761167.

ClinVar aggregate classification (germline): Likely pathogenic. Review status: reviewed by expert panel (3 of 4 stars). 5 submissions from 5 submitters: Likely pathogenic (1). 4 of the submissions do not count toward it. Last evaluated 2025-12-02.

Conditions:
Hereditary cancer-predisposing syndrome. Also called: Hereditary neoplastic syndrome; Hereditary Cancer Syndrome; Tumor predisposition; Neoplastic Syndromes, Hereditary. Identifiers: Orphanet 140162, MedGen C0027672, MeSH D009386, MONDO:0015356.
Hereditary breast ovarian cancer syndrome. Also called: Breast and ovarian cancer; Hereditary breast and ovarian cancer; BRCA1- and BRCA2-Associated Hereditary Breast and Ovarian Cancer; Hereditary breast and/or ovarian cancer syndrome; Hereditary breast and ovarian cancer syndrome; Hereditary breast and ovarian cancer syndrome (HBOC). Identifiers: Orphanet 145, MedGen C0677776, MeSH D061325, MONDO:0003582. Disease mechanism: loss of function.
BRCA2-related cancer predisposition. Identifiers: MedGen CN377758, MONDO:0700269.

Submissions (5):

ClinGen ENIGMA BRCA1 and BRCA2 Variant Curation Expert Panel, ClinGen
Classification: Likely pathogenic for BRCA2-related cancer predisposition. Last evaluated: 2025-12-02. Review status: reviewed by expert panel. Criteria: CSpec BRCA12ACMG Rules Specifications V1.1. Collection method: curation. Allele origin: germline. Inheritance: Autosomal dominant inheritance.
Comment: The c.9364G>C variant in BRCA2 is a missense variant predicted to cause substitution of alanine by proline at amino acid 3122 (p.Ala3122Pro). This variant is absent from gnomAD v2.1 (exomes only, non-cancer subset, read depth ≥25) and gnomAD v3.1 (non-cancer subset, read depth ≥25) (PM2_Supporting met). This BRCA2 missense variant is within a key functional domain and the computational predictor BayesDel (noAF) gives a score of 0.22, indicating impact on BRCA2 function via protein change is unclear (score range 0.18-0.30). A SpliceAI score of 0.00 predicts no impact on splicing (score threshold ≤0.1) (no bioinformatic code is applied). Reported by three calibrated studies to exhibit protein function similar to pathogenic control variants (PMIDs:38417439, 39779857, 39779848) (PS3 met). Cosegregation analysis of two families carrying this variant provided evidence towards pathogenicity, and has a Bayes Score of 16.96 (applied as LR), within the thresholds for moderate pathogenic evidence (LR ≥4.3 & <18.7) (PP1_Moderate met; Internal lab contributors). In summary, this variant meets the criteria to be classified as a Likely pathogenic variant for BRCA2-related cancer predisposition based on the ACMG/AMP criteria applied as specified by the ENIGMA BRCA1/2 VCEP (PM2_Supporting, PS3, PP1_Moderate).

Labcorp Genetics (formerly Invitae), Labcorp
Classification: Likely pathogenic for Hereditary breast ovarian cancer syndrome. Last evaluated: 2024-05-22. Review status: criteria provided, single submitter. Criteria: Invitae Variant Classification Sherloc (09022015). Collection method: clinical testing. Allele origin: germline. Not counted in ClinVar's aggregate classification.
Comment: This sequence change replaces alanine, which is neutral and non-polar, with proline, which is neutral and non-polar, at codon 3122 of the BRCA2 protein (p.Ala3122Pro). This variant is not present in population databases (gnomAD no frequency). This missense change has been observed in individual(s) with BRCA2-related cancers (PMID: 32850417; Invitae). It has also been observed to segregate with disease in related individuals. ClinVar contains an entry for this variant (Variation ID: 439019). Advanced modeling performed at Invitae incorporating data from internal and/or published experimental studies (PMID: 33609447) indicates that this missense variant is expected to disrupt BRCA2 function with a positive predictive value of 95%. In summary, the currently available evidence indicates that the variant is pathogenic, but additional data are needed to prove that conclusively. Therefore, this variant has been classified as Likely Pathogenic.

Quest Diagnostics Nichols Institute San Juan Capistrano
Classification: Uncertain significance. Last evaluated: 2023-02-13. Review status: criteria provided, single submitter. Criteria: Quest Diagnostics criteria. Collection method: clinical testing. Allele origin: unknown. Not counted in ClinVar's aggregate classification.
Comment: It has not been reported in large, multi-ethnic general populations. In the published literature, the variant has been reported in individuals with ovarian cancer (OC) (PMIDs: 33008098 (2020), 32850417 (2020)). One functional analysis reported that this variant lacks homology-directed repair (HDR) activity, but additional functional studies are needed to conclude the effect of this variant on gene or gene product. Analysis of this variant using bioinformatics tools for the prediction of the effect of amino acid changes on protein structure and function yielded conflicting predictions that this variant is benign or damaging. Based on the available information, we are unable to determine the clinical significance of this variant.

Ambry Genetics
Classification: Likely pathogenic for Hereditary cancer-predisposing syndrome. Last evaluated: 2022-01-11. Review status: criteria provided, single submitter. Criteria: Ambry Variant Classification Scheme 2023. Collection method: clinical testing. Allele origin: germline. Not counted in ClinVar's aggregate classification.
Comment: The p.A3122P variant (also known as c.9364G>C), located in coding exon 24 of the BRCA2 gene, results from a G to C substitution at nucleotide position 9364. The alanine at codon 3122 is replaced by proline, an amino acid with highly similar properties. This alteration has been identified in multiple individuals diagnosed with ovarian cancer (Barbosa A et al. Cancers (Basel), 2020 Sep;12:; Peixoto A et al. Front Oncol, 2020 Jul;10:1318). This variant was non-functional in a homology-directed DNA repair (HDR) assay (Richardson et al. Am J Hum Genet 2021 03;108(3):458-468). This amino acid position is highly conserved in available vertebrate species. This alteration is also predicted to destabilize the local structure and disrupt the protein binding ability of BRCA2 (Yang H et al. Science 2002 Sep;297:1837-48; Marston NJ et al. Mol. Cell. Biol. 1999 Jul;19:4633-42; Ambry internal data). In addition, this alteration is predicted to be deleterious by in silico analysis. Based on the majority of available evidence to date, this variant is likely to be pathogenic.

Color Diagnostics, LLC DBA Color Health
Classification: Uncertain significance for Hereditary cancer-predisposing syndrome. Last evaluated: 2019-04-03. Review status: criteria provided, single submitter. Criteria: ACMG Guidelines, 2015. Collection method: clinical testing. Allele origin: germline. Not counted in ClinVar's aggregate classification.

Literature cited by the submitters: PubMed 32850417 (cited by 3 submitters); PubMed 33609447 (cited by 3 submitters); PubMed 33008098 (cited by Quest Diagnostics Nichols Institute San Juan Capistrano and Ambry Genetics).